The following is an entry in ClinVar:

ClinVar aggregate classification (germline): Likely pathogenic (1 of 4 stars; one submission).

Conditions:
Cutis laxa, autosomal recessive, type 1B (ARCL1B). Also called: CUTIS LAXA, AUTOSOMAL RECESSIVE, TYPE IB; EFEMP2-Related Cutis Laxa. Identifiers: Orphanet 90349, MedGen C3280798, MONDO:0013754, OMIM 614437. Disease mechanism: loss of function.

Submission:

Labcorp Genetics (formerly Invitae), Labcorp
Classification: Likely pathogenic for Cutis laxa, autosomal recessive, type 1B. Last evaluated: 2023-03-18. Review status: criteria provided, single submitter. Criteria: Invitae Variant Classification Sherloc (09022015). Collection method: clinical testing. Allele origin: germline.
Comment: This sequence change affects an acceptor splice site in intron 4 of the EFEMP2 gene. It is expected to disrupt RNA splicing. Variants that disrupt the donor or acceptor splice site typically lead to a loss of protein function (PMID: 16199547), and loss-of-function variants in EFEMP2 are known to be pathogenic (PMID: 17937443). This variant is not present in population databases (gnomAD no frequency). This variant has not been reported in the literature in individuals affected with EFEMP2-related conditions. Algorithms developed to predict the effect of sequence changes on RNA splicing suggest that this variant may disrupt the consensus splice site. In summary, the currently available evidence indicates that the variant is pathogenic, but additional data are needed to prove that conclusively. Therefore, this variant has been classified as Likely Pathogenic.

Literature cited by the submitters: PubMed 16199547; PubMed 17937443.

NM_016938.5(EFEMP2):c.368-2A>G

Gene: EFEMP2 (EGF-like fibulin extracellular matrix protein 2; minus strand). Cytogenetic location: 11q13.1.
Variant type: single nucleotide variant.
Coding change: c.368-2A>G on transcript NM_016938.5 (MANE Select); the canonical splice acceptor site of the intron before coding-DNA position 368, A replaced by G.
Molecular consequence: splice acceptor variant.
Genome position (GRCh38, 1-based): chr11:65,870,660, T>C on the plus strand (A>G on the coding strand, the complement: EFEMP2 is on the minus strand). VCF-style: chr11-65870660-T-C. GRCh37 (hg19) VCF-style: chr11-65638131-T-C.
Identifiers: ClinVar variation 2847110 (VCV002847110.3), dbSNP rs2495579185, ClinGen allele CA381308410.